The following is an entry in ClinVar:

NM_001370259.2(MEN1):c.193C>G (p.Pro65Ala)

Gene: MEN1 (menin 1; minus strand). Cytogenetic location: 11q13.1.
Variant type: single nucleotide variant.
Coding change: c.193C>G on transcript NM_001370259.2 (MANE Select); coding-DNA position 193, C replaced by G.
Protein change: p.Pro65Ala; replaces proline 65 with alanine.
Molecular consequence: missense variant. On other transcripts: non-coding transcript variant (4).
Genome position (GRCh38, 1-based): chr11:64,809,917, G>C on the plus strand (C>G on the coding strand, the complement: MEN1 is on the minus strand). VCF-style: chr11-64809917-G-C. GRCh37 (hg19) VCF-style: chr11-64577389-G-C.
Other names: c.193C>G, p.Pro65Ala (NM_000244.4, NM_001370251.2, NM_001370260.2 and 20 more transcripts); short protein forms P65A.
Identifiers: ClinVar variation 3676712 (VCV003676712.3).
Genomic context (GRCh38, chr11:64,809,917, plus strand): 5'-TAGACAGGTCGGCCACGGGAAAGTAGGTGAGGCCGCCAGGCGGGTCGGGGGCGGGGCTGG[G>C]CTGGAAGGTGAGCTCGGGAACGTTGGTAGGGATGACGCGGTTGACAGCCAGAAAATGCTC-3'
Protein context (NP_001357188.2, residues 55-75): PTNVPELTFQ[Pro65Ala]SPAPDPPGGL

ClinVar aggregate classification (germline): Uncertain significance. Review status: criteria provided, multiple submitters, no conflicts (2 of 4 stars). 2 submissions from 2 submitters: Uncertain significance (2). Last evaluated 2026-06-03.

Conditions:
Multiple endocrine neoplasia, type 1 (MEN1). Also called: MEN I; WERMER SYNDROME; Endocrine adenomatosis multiple; MEN 1; MEA I. Identifiers: Orphanet 652, MedGen C0025267, MeSH D018761, MONDO:0007540, OMIM 131100.
Hereditary cancer-predisposing syndrome. Also called: Hereditary neoplastic syndrome; Tumor predisposition; Hereditary Cancer Syndrome; Neoplastic Syndromes, Hereditary. Identifiers: Orphanet 140162, MedGen C0027672, MeSH D009386, MONDO:0015356.

gnomAD v4.1: 1 of 1,586,442 alleles (0.000063%); highest among the groups gnomAD compares: African/African-American, 0.0013%; no homozygotes.

Submissions (2):

Ambry Genetics
Classification: Uncertain significance for Hereditary cancer-predisposing syndrome. Last evaluated: 2026-06-03. Review status: criteria provided, single submitter. Criteria: Ambry Variant Classification Scheme 2023. Collection method: clinical testing. Allele origin: germline.
Comment: The p.P65A variant (also known as c.193C>G), located in coding exon 1 of the MEN1 gene, results from a C to G substitution at nucleotide position 193. The proline at codon 65 is replaced by alanine, an amino acid with highly similar properties. This amino acid position is conserved. In addition, the in silico prediction for this alteration is inconclusive. Based on the available evidence, the clinical significance of this variant remains unclear.

Labcorp Genetics (formerly Invitae), Labcorp
Classification: Uncertain significance for Multiple endocrine neoplasia, type 1. Last evaluated: 2024-03-13. Review status: criteria provided, single submitter. Criteria: Invitae Variant Classification Sherloc (09022015). Collection method: clinical testing. Allele origin: germline.
Comment: This sequence change replaces proline, which is neutral and non-polar, with alanine, which is neutral and non-polar, at codon 65 of the MEN1 protein (p.Pro65Ala). This variant is present in population databases (no rsID available, gnomAD 0.01%). This variant has not been reported in the literature in individuals affected with MEN1-related conditions. Advanced modeling of protein sequence and biophysical properties (such as structural, functional, and spatial information, amino acid conservation, physicochemical variation, residue mobility, and thermodynamic stability) has been performed at Invitae for this missense variant, however the output from this modeling did not meet the statistical confidence thresholds required to predict the impact of this variant on MEN1 protein function. In summary, the available evidence is currently insufficient to determine the role of this variant in disease. Therefore, it has been classified as a Variant of Uncertain Significance.